The following is an entry in ClinVar:

ClinVar aggregate classification (germline): Uncertain significance (1 of 4 stars; one submission).

Conditions:
Myoclonic dystonia 11 (DYT11). Also called: Myoclonic dystonia; Dystonia 11; Dystonia, alcohol responsive; Hereditary essential myoclonus; SGCE Myoclonus-Dystonia; Myoclonus-Dystonia. Identifiers: Orphanet 36899, MedGen C1834570, MONDO:0008044, OMIM 159900.

Submission:

Labcorp Genetics (formerly Invitae), Labcorp
Classification: Uncertain significance for Myoclonic dystonia 11. Last evaluated: 2024-07-01. Review status: criteria provided, single submitter. Criteria: Invitae Variant Classification Sherloc (09022015). Collection method: clinical testing. Allele origin: germline.
Comment: This sequence change affects codon 228 of the SGCE mRNA. It is a 'silent' change, meaning that it does not change the encoded amino acid sequence of the SGCE protein. This variant is not present in population databases (gnomAD no frequency). This variant has not been reported in the literature in individuals affected with SGCE-related conditions. Algorithms developed to predict the effect of sequence changes on RNA splicing suggest that this variant may create or strengthen a splice site. In summary, the available evidence is currently insufficient to determine the role of this variant in disease. Therefore, it has been classified as a Variant of Uncertain Significance.

NM_003919.3(SGCE):c.684A>T (p.Ala228=)

Genes: CASD1 (CAS1 domain sialic acid O acetyltransferase 1; plus strand), SGCE (sarcoglycan epsilon; minus strand). Cytogenetic location: 7q21.3.
Variant type: single nucleotide variant.
Coding change: c.684A>T on transcript NM_003919.3 (MANE Select); coding-DNA position 684, A replaced by T.
Protein change: p.Ala228=; no amino-acid change (alanine 228 retained).
Molecular consequence: synonymous variant.
Genome position (GRCh38, 1-based): chr7:94,603,431, T>A on the plus strand (A>T on the coding strand, the complement: SGCE is on the minus strand). VCF-style: chr7-94603431-T-A. GRCh37 (hg19) VCF-style: chr7-94232743-T-A.
Other names: c.684A>T, p.Ala228= (NM_001099400.2, NM_001099401.2, NM_001346717.2); c.561A>T, p.Ala187= (NM_001301139.2, NM_001362809.2); c.792A>T, p.Ala264= (NM_001346713.2, NM_001346715.2); c.597A>T, p.Ala199= (NM_001346719.2, NM_001362807.2); c.411A>T, p.Ala137= (NM_001346720.2, NM_001362808.2).
Identifiers: ClinVar variation 3658386 (VCV003658386.2).